The following is an entry in ClinVar:

ClinVar aggregate classification (germline): Uncertain significance (1 of 4 stars; one submission).

Submission:

Labcorp Genetics (formerly Invitae), Labcorp
Classification: Uncertain significance. Last evaluated: 2022-03-26. Review status: criteria provided, single submitter. Criteria: Invitae Variant Classification Sherloc (09022015). Collection method: clinical testing. Allele origin: germline.
Comment: This sequence change replaces proline, which is neutral and non-polar, with serine, which is neutral and polar, at codon 419 of the HPS3 protein (p.Pro419Ser). In summary, the available evidence is currently insufficient to determine the role of this variant in disease. Therefore, it has been classified as a Variant of Uncertain Significance. Algorithms developed to predict the effect of missense changes on protein structure and function are either unavailable or do not agree on the potential impact of this missense change (SIFT: "Tolerated"; PolyPhen-2: "Probably Damaging"; Align-GVGD: "Class C0"). This variant has not been reported in the literature in individuals affected with HPS3-related conditions. This variant is not present in population databases (gnomAD no frequency).

NM_032383.5(HPS3):c.1255C>T (p.Pro419Ser)

Gene: HPS3 (HPS3 biogenesis of lysosomal organelles complex 2 subunit 1; plus strand). Cytogenetic location: 3q24.
Variant type: single nucleotide variant.
Coding change: c.1255C>T on transcript NM_032383.5 (MANE Select); coding-DNA position 1255, C replaced by T.
Protein change: p.Pro419Ser; replaces proline 419 with serine.
Molecular consequence: missense variant.
Genome position (GRCh38, 1-based): chr3:149,153,503, C>T. VCF-style: chr3-149153503-C-T. GRCh37 (hg19) VCF-style: chr3-148871290-C-T.
Other names: c.760C>T, p.Pro254Ser (NM_001308258.2); short protein forms P254S, P419S.
Identifiers: ClinVar variation 1951998 (VCV001951998.4), dbSNP rs2473099313, ClinGen allele CA354918882.